The following is an entry in ClinVar:

ClinVar aggregate classification (germline): Uncertain significance (1 of 4 stars; one submission).

Allele frequency attached by ClinVar (database versions not stated): ExAC 0.00002; gnomAD 0.00001; gnomAD exomes 0.00001; TOPMed 0.00001.

Submission:

Labcorp Genetics (formerly Invitae), Labcorp
Classification: Uncertain significance. Last evaluated: 2022-08-23. Review status: criteria provided, single submitter. Criteria: Invitae Variant Classification Sherloc (09022015). Collection method: clinical testing. Allele origin: germline.
Comment: This sequence change replaces valine, which is neutral and non-polar, with isoleucine, which is neutral and non-polar, at codon 241 of the SLC30A10 protein (p.Val241Ile). This variant is present in population databases (rs749247166, gnomAD 0.006%). This variant has not been reported in the literature in individuals affected with SLC30A10-related conditions. ClinVar contains an entry for this variant (Variation ID: 1475443). Algorithms developed to predict the effect of missense changes on protein structure and function (SIFT, PolyPhen-2, Align-GVGD) all suggest that this variant is likely to be disruptive. In summary, the available evidence is currently insufficient to determine the role of this variant in disease. Therefore, it has been classified as a Variant of Uncertain Significance.

NM_018713.3(SLC30A10):c.721G>A (p.Val241Ile)

Gene: SLC30A10 (solute carrier family 30 member 10; minus strand). Cytogenetic location: 1q41.
Variant type: single nucleotide variant.
Coding change: c.721G>A on transcript NM_018713.3 (MANE Select); coding-DNA position 721, G replaced by A.
Protein change: p.Val241Ile; replaces valine 241 with isoleucine.
Molecular consequence: missense variant. On other transcripts: non-coding transcript variant (2).
Genome position (GRCh38, 1-based): chr1:219,918,492, C>T on the plus strand (G>A on the coding strand, the complement: SLC30A10 is on the minus strand). VCF-style: chr1-219918492-C-T. GRCh37 (hg19) VCF-style: chr1-220091834-C-T.
Other names: c.532G>A, p.Val178Ile (NM_001376929.1); short protein forms V178I, V241I.
Identifiers: ClinVar variation 1475443 (VCV001475443.3), dbSNP rs749247166, ClinGen allele CA1399240.